The following is an entry in ClinVar:

ClinVar aggregate classification (germline): Uncertain significance (1 of 4 stars; one submission).

Conditions:
Hereditary cancer-predisposing syndrome. Also called: Hereditary Cancer Syndrome; Neoplastic Syndromes, Hereditary; Tumor predisposition; Hereditary neoplastic syndrome. Identifiers: Orphanet 140162, MedGen C0027672, MeSH D009386, MONDO:0015356.

Submission:

Ambry Genetics
Classification: Uncertain significance for Hereditary cancer-predisposing syndrome. Last evaluated: 2016-01-13. Review status: criteria provided, single submitter. Criteria: Ambry Variant Classification Scheme 2023. Collection method: clinical testing. Allele origin: germline.
Comment: The c.2325dupT variant, located in coding exon 11 of the BARD1 gene, results from a duplication of T at nucleotide position 2325, causing a translational frameshift with a predicted alternate stop codon. Per ACMG guidelines this variant could be interpreted as a disease-causing mutation (ACMG Recommendations for Standards for Interpretation and Reporting of Sequence Variations. Revision 2007. Genet Med. 2008;10:294); however, this alteration occurs in the last coding exon of the BARD1 gene, so while it is truncating, the mRNA may escape nonsense mediated decay (NMD). Premature termination codons located either in the last exon or within 50-55 nucleotides upstream of the 3'-most exon-exon junction usually fails to elicit NMD (Maquat, 2004). This variant was not reported in population based cohorts in the following databases: Database of Single Nucleotide Polymorphisms (dbSNP), NHLBI Exome Sequencing Project (ESP), and 1000 Genomes Project. In the ESP, this variant was not observed in 6503 samples (13006 alleles) with coverage at this position. To date, this alteration has been detected with an allele frequency of approximately 0.001% (greater than 120000 alleles tested) in our clinical cohort. Since supporting evidence is limited at this time, the clinical significance of c.2325dupT remains unclear.

NM_000465.4(BARD1):c.2325dup (p.Asp776Ter)

Gene: BARD1 (BRCA1 associated RING domain 1; minus strand). Cytogenetic location: 2q35.
Variant type: Duplication.
Coding change: c.2325dup on transcript NM_000465.4 (MANE Select); coding-DNA position 2325, one base duplicated (T; older notation c.2325dupT).
Protein change: p.Asp776Ter; replaces aspartic acid 776 with a stop codon.
Molecular consequence: nonsense. On other transcripts: non-coding transcript variant (3).
Genome position (GRCh38, 1-based): chr2:214,728,685, A duplicated on the plus strand (T on the coding strand, the reverse complement: BARD1 is on the minus strand); the first of 2 consecutive A bases (chr2:214,728,685-214,728,686); duplicating either gives the same sequence. VCF-style (leftmost placement, unchanged base first): chr2-214728684-C-CA. GRCh37 (hg19) VCF-style: chr2-215593408-C-CA.
Other names: c.2268dup, p.Asp757Ter (NM_001282543.2); c.972dup, p.Asp325Ter (NM_001282545.2); c.915dup, p.Asp306Ter (NM_001282548.2); c.786dup, p.Asp263Ter (NM_001282549.2); c.2325dupT (NM_000465.2); short protein forms D306*, D757*, D263*, D776*, D325*.
Identifiers: ClinVar variation 481366 (VCV000481366.5), dbSNP rs1553612002, ClinGen allele CA658657203.